The following is an entry in ClinVar:

ClinVar aggregate classification (germline): Conflicting classifications of pathogenicity. Review status: criteria provided, conflicting classifications (1 of 4 stars). 2 submissions from 2 submitters: Uncertain significance (1); Likely benign (1). Last evaluated 2024-07-03.

Allele frequency attached by ClinVar (database versions not stated): gnomAD exomes 0.00004 and 0.00006; gnomAD 0.00005 and 0.00006; TOPMed 0.00008; ESP Exome Variant Server 0.00009; ExAC 0.00010.
gnomAD v4.1: 50 of 1,204,916 alleles (0.0041%); highest among the groups gnomAD compares: Middle Eastern, 0.046%; no homozygotes.

Submissions (2):

Blueprint Genetics
Classification: Likely benign. Last evaluated: 2024-07-03. Review status: criteria provided, single submitter. Criteria: ACMG Guidelines, 2015. Collection method: clinical testing. Allele origin: germline.

Labcorp Genetics (formerly Invitae), Labcorp
Classification: Uncertain significance. Last evaluated: 2022-11-17. Review status: criteria provided, single submitter. Criteria: Invitae Variant Classification Sherloc (09022015). Collection method: clinical testing. Allele origin: germline.
Comment: Advanced modeling of protein sequence and biophysical properties (such as structural, functional, and spatial information, amino acid conservation, physicochemical variation, residue mobility, and thermodynamic stability) performed at Invitae indicates that this missense variant is not expected to disrupt CACNA1F protein function. ClinVar contains an entry for this variant (Variation ID: 962281). This variant has not been reported in the literature in individuals affected with CACNA1F-related conditions. This variant is present in population databases (rs373254725, gnomAD 0.04%), and has an allele count higher than expected for a pathogenic variant. This sequence change replaces arginine, which is basic and polar, with glutamine, which is neutral and polar, at codon 1058 of the CACNA1F protein (p.Arg1058Gln). In summary, the available evidence is currently insufficient to determine the role of this variant in disease. Therefore, it has been classified as a Variant of Uncertain Significance.

NM_001256789.3(CACNA1F):c.3140G>A (p.Arg1047Gln)

Gene: CACNA1F (calcium voltage-gated channel subunit alpha1 F; minus strand). Cytogenetic location: Xp11.23.
Variant type: single nucleotide variant.
Coding change: c.3140G>A on transcript NM_001256789.3 (MANE Select); coding-DNA position 3140, G replaced by A.
Protein change: p.Arg1047Gln; replaces arginine 1047 with glutamine.
Molecular consequence: missense variant.
Genome position (GRCh38, 1-based): chrX:49,216,478, C>T on the plus strand (G>A on the coding strand, the complement: CACNA1F is on the minus strand). VCF-style: chrX-49216478-C-T. GRCh37 (hg19) VCF-style: chrX-49072938-C-T.
Other names: c.2978G>A, p.Arg993Gln (NM_001256790.3); c.3173G>A, p.Arg1058Gln (NM_005183.4); short protein forms R993Q, R1047Q, R1058Q.
Identifiers: ClinVar variation 962281 (VCV000962281.8), dbSNP rs373254725, ClinGen allele CA10410521.
Genomic context (GRCh38, chrX:49,216,478, plus strand): 5'-GCCATCATGGCTGAAAGGACATTGTCAAAGTTGAAATCACTGTTGACCCAGAGCCGCTCC[C>T]GGACCAGGGGCCGTGACACGTCTCCATCTGGGTATACCAGGAAGGAGCCCCTGTGGATGT-3'
Protein context (NP_001243718.1, residues 1037-1057): PDGDVSRPLV[Arg1047Gln]ERLWVNSDFN